The following is an entry in ClinVar:

ClinVar aggregate classification (germline): Benign/Likely benign. Review status: criteria provided, multiple submitters, no conflicts (2 of 4 stars). 3 submissions from 3 submitters: Benign (1); Likely benign (1). 1 of the submissions does not count toward it. Last evaluated 2025-12-23.

Conditions:
Hereditary sensory and autonomic neuropathy type 6. Also called: Neuropathy, hereditary sensory and autonomic, type VI; HSAN VI. Identifiers: Orphanet 314381, MedGen C3539003, MONDO:0013839, OMIM 614653.
Epidermolysis bullosa simplex 3, localized or generalized intermediate, with BP230 deficiency (EBS3). Also called: Epidermolysis bullosa simplex due to BP230 deficiency; Epidermolysis bullosa simplex, autosomal recessive 2. Identifiers: Orphanet 412181, MedGen C3809470, MONDO:0014180, OMIM 615425.
DST-related disorder. Also called: DST-related condition; DST-related disorders.

Allele frequency attached by ClinVar (database versions not stated): gnomAD 0.00272 and 0.00292; 1000 Genomes Project 30x 0.00281; TOPMed 0.00306; 1000 Genomes Project 0.00319; ESP Exome Variant Server 0.00338.
gnomAD v4.1: 889 of 1,613,746 alleles (0.055%); highest among the groups gnomAD compares: African/African-American, 0.98%; 2 homozygotes.

Submissions (3):

Labcorp Genetics (formerly Invitae), Labcorp
Classification: Benign for Epidermolysis bullosa simplex 3, localized or generalized intermediate, with BP230 deficiency; Hereditary sensory and autonomic neuropathy type 6. Last evaluated: 2025-12-23. Review status: criteria provided, single submitter. Criteria: Invitae Variant Classification Sherloc (09022015). Collection method: clinical testing. Allele origin: germline.

CeGaT Center for Human Genetics Tuebingen
Classification: Likely benign. Last evaluated: 2025-10-01. Review status: criteria provided, single submitter. Criteria: CeGaT Center For Human Genetics Tuebingen Variant Classification Criteria Version 2. Collection method: clinical testing. Allele origin: germline. Affected: yes. Observed: 1 variant allele.
Comment: DST: BP4

PreventionGenetics, part of Exact Sciences
Classification: Benign for DST-related condition. Last evaluated: 2024-05-23. Review status: no assertion criteria provided. Collection method: clinical testing. Allele origin: germline. Not counted in ClinVar's aggregate classification.
Comment: This variant is classified as benign based on ACMG/AMP sequence variant interpretation guidelines (Richards et al. 2015 PMID: 25741868, with internal and published modifications).

NM_001723.7(DST):c.4400G>A (p.Arg1467His)

Gene: DST (dystonin; minus strand). Cytogenetic location: 6p12.1.
Variant type: single nucleotide variant.
Coding change: c.4400G>A on transcript NM_001723.7 (MANE Plus Clinical); coding-DNA position 4400, G replaced by A.
Protein change: p.Arg1467His; replaces arginine 1467 with histidine.
Molecular consequence: missense variant. On other transcripts: intron variant (10).
Genome position (GRCh38, 1-based): chr6:56,619,634, C>T on the plus strand (G>A on the coding strand, the complement: DST is on the minus strand). VCF-style: chr6-56619634-C-T. GRCh37 (hg19) VCF-style: chr6-56484432-C-T.
Other names: c.4830+4896G>A (NM_001144769.5); c.4929+4896G>A (NM_001374722.1, NM_001374736.1); c.4956+4896G>A (NM_001374734.1); c.4416+4896G>A (NM_001144770.2); c.4296+4896G>A (NM_001374730.1, NM_001386100.1, NM_183380.4 and 1 more transcripts); c.3318+4896G>A (NM_015548.5); short protein forms R1467H.
Identifiers: ClinVar variation 357574 (VCV000357574.27), dbSNP rs147704763, ClinGen allele CA3870532.
Genomic context (GRCh38, chr6:56,619,634, plus strand): 5'-ACTTCTCTTTGTAGTTTCCCTTTTTCATGATTAAGAGATTCTAATTCTAACTGATAATTG[C>T]GCTTTATTTTCTTGAGATCACTAGCTTCTTGCATGGCTTCTTCAGCTTTACCTGTGGTTT-3'
Protein context (NP_001714.1, residues 1457-1477): QEASDLKKIK[Arg1467His]NYQLELESLN